The following is an entry in ClinVar:

NC_000006.11:g.(?_31895530)_(31905256_?)del

Gene: C2 (complement C2; plus strand). Cytogenetic location: 6p21.33.
Variant type: Deletion.
Identifiers: ClinVar variation 3246079 (VCV003246079.1).

ClinVar aggregate classification (germline): Pathogenic (1 of 4 stars; one submission).

Submission:

Labcorp Genetics (formerly Invitae), Labcorp
Classification: Pathogenic. Last evaluated: 2023-02-25. Review status: criteria provided, single submitter. Criteria: Invitae Variant Classification Sherloc (09022015). Collection method: clinical testing. Allele origin: unknown.
Comment: This variant is a gross deletion of the genomic region encompassing exon(s) 1-8 of the C2 gene, which includes the initiator codon. This deletion extends beyond the assayed region for this gene and therefore may encompass additional genes. It is expected to result in an absent or disrupted protein product. Loss-of-function variants in C2 are known to be pathogenic (PMID: 1577763, 9616367). This variant has not been reported in the literature in individuals affected with C2-related conditions. For these reasons, this variant has been classified as Pathogenic.

Literature cited by the submitters: PubMed 1577763; PubMed 9616367.